The following is an entry in ClinVar:

ClinVar aggregate classification (germline): other (0 of 4 stars; one submission).

Conditions:
Familial colorectal cancer. Identifiers: MedGen CN280943, MONDO:0023113. Disease mechanism: loss of function.

Submission:

Systems Biology Platform Zhejiang California International NanoSystems Institute
Classification: other for Familial colorectal cancer. Review status: no assertion criteria provided. Collection method: not provided. Allele origin: unknown.
ClinVar note: Converted during submission from cancer to other.

NC_000005.10:g.112847807G>T

Variant type: single nucleotide variant.
Genome position: GRCh38 VCF-style: chr5-112847807-G-T. GRCh37 (hg19) VCF-style: chr5-112183504-G-T.
Identifiers: ClinVar variation 82642 (VCV000082642.3), dbSNP rs74849978, ClinGen allele CA250782.
Genomic context (GRCh38, chr5:112,847,807, plus strand): 5'-AAATTTAAAAATTACTTTGTAATGTTGAAACCTATAGACTGTGGCTCCTGTAAACCCCAG[G>T]TCATTTTCCTGCCATTCTTACAACTCTGTCTAAGATCTATAAAAGTATATTCTGCTTTTT-3'